The following is an entry in ClinVar:

NM_017934.7(PHIP):c.4450T>C (p.Ser1484Pro)

Genes: IRAK1BP1 (interleukin 1 receptor associated kinase 1 binding protein 1; plus strand), PHIP (PHIP subunit of CUL4-Ring ligase complex; minus strand). Cytogenetic location: 6q14.1.
Variant type: single nucleotide variant.
Coding change: c.4450T>C on transcript NM_017934.7 (MANE Select); coding-DNA position 4450, T replaced by C.
Protein change: p.Ser1484Pro; replaces serine 1484 with proline.
Molecular consequence: missense variant.
Genome position (GRCh38, 1-based): chr6:78,946,181, A>G on the plus strand (T>C on the coding strand, the complement: PHIP is on the minus strand). VCF-style: chr6-78946181-A-G. GRCh37 (hg19) VCF-style: chr6-79655898-A-G.
Other names: short protein forms S1484P.
Identifiers: ClinVar variation 2780968 (VCV002780968.3), dbSNP rs2481794524, ClinGen allele CA364637710.

ClinVar aggregate classification (germline): Uncertain significance (1 of 4 stars; one submission).

gnomAD v4.1: 1 of 1,613,804 alleles (0.000062%); highest among the groups gnomAD compares: Non-Finnish European, 0.000085%; no homozygotes.

Submission:

Labcorp Genetics (formerly Invitae), Labcorp
Classification: Uncertain significance. Last evaluated: 2023-01-16. Review status: criteria provided, single submitter. Criteria: Invitae Variant Classification Sherloc (09022015). Collection method: clinical testing. Allele origin: germline.
Comment: In summary, the available evidence is currently insufficient to determine the role of this variant in disease. Therefore, it has been classified as a Variant of Uncertain Significance. Experimental studies and prediction algorithms are not available or were not evaluated, and the functional significance of this variant is currently unknown. This variant has not been reported in the literature in individuals affected with PHIP-related conditions. This variant is not present in population databases (gnomAD no frequency). This sequence change replaces serine, which is neutral and polar, with proline, which is neutral and non-polar, at codon 1484 of the PHIP protein (p.Ser1484Pro).